The following is an entry in ClinVar:

ClinVar aggregate classification (germline): Uncertain significance (1 of 4 stars; one submission).

Conditions:
Imerslund-Grasbeck syndrome. Also called: Megaloblastic anemia due to inborn errors of metabolism; ENTEROCYTE COBALAMIN MALABSORPTION; ENTEROCYTE INTRINSIC FACTOR RECEPTOR, DEFECT OF; PERNICIOUS ANEMIA, JUVENILE, DUE TO SELECTIVE INTESTINAL MALABSORPTION OF VITAMIN B12, WITH PROTEINURIA; Imerslund-Gräsbeck syndrome. Identifiers: Orphanet 35858, MedGen C4551825, MONDO:0009853.

Allele frequency attached by ClinVar (database versions not stated): gnomAD exomes 0.00001.
gnomAD v4.1: 4 of 1,612,350 alleles (0.00025%); highest among the groups gnomAD compares: Non-Finnish European, 0.00034%; no homozygotes.

Submission:

Labcorp Genetics (formerly Invitae), Labcorp
Classification: Uncertain significance for Imerslund-Grasbeck syndrome. Last evaluated: 2019-09-22. Review status: criteria provided, single submitter. Criteria: Invitae Variant Classification Sherloc (09022015). Collection method: clinical testing. Allele origin: germline.
Comment: In summary, the available evidence is currently insufficient to determine the role of this variant in disease. Therefore, it has been classified as a Variant of Uncertain Significance. This variant is not present in population databases (ExAC no frequency). This variant has not been reported in the literature in individuals with CUBN-related conditions. Algorithms developed to predict the effect of missense changes on protein structure and function are either unavailable or do not agree on the potential impact of this missense change (SIFT: "Deleterious"; PolyPhen-2: "Probably Damaging"; Align-GVGD: "Class C0"). This sequence change replaces serine with leucine at codon 2520 of the CUBN protein (p.Ser2520Leu). The serine residue is highly conserved and there is a large physicochemical difference between serine and leucine.

NM_001081.4(CUBN):c.7559C>T (p.Ser2520Leu)

Gene: CUBN (cubilin; minus strand). Cytogenetic location: 10p13.
Variant type: single nucleotide variant.
Coding change: c.7559C>T on transcript NM_001081.4 (MANE Select); coding-DNA position 7559, C replaced by T.
Protein change: p.Ser2520Leu; replaces serine 2520 with leucine.
Molecular consequence: missense variant.
Genome position (GRCh38, 1-based): chr10:16,907,654, G>A on the plus strand (C>T on the coding strand, the complement: CUBN is on the minus strand). VCF-style: chr10-16907654-G-A. GRCh37 (hg19) VCF-style: chr10-16949653-G-A.
Other names: short protein forms S2520L.
Identifiers: ClinVar variation 941200 (VCV000941200.10), dbSNP rs2131438965, ClinGen allele CA376144656.